The following is an entry in ClinVar:

NM_020821.3(VPS13C):c.4195A>T (p.Ile1399Leu)

Gene: VPS13C (vacuolar protein sorting 13 homolog C; minus strand). Cytogenetic location: 15q22.2.
Variant type: single nucleotide variant.
Coding change: c.4195A>T on transcript NM_020821.3 (MANE Select); coding-DNA position 4195, A replaced by T.
Protein change: p.Ile1399Leu; replaces isoleucine 1399 with leucine.
Molecular consequence: missense variant.
Genome position (GRCh38, 1-based): chr15:61,954,525, T>A on the plus strand (A>T on the coding strand, the complement: VPS13C is on the minus strand). VCF-style: chr15-61954525-T-A. GRCh37 (hg19) VCF-style: chr15-62246724-T-A.
Other names: c.4195A>T, p.Ile1399Leu (NM_001018088.3); c.4066A>T, p.Ile1356Leu (NM_017684.5, NM_018080.4); short protein forms I1399L, I1356L.
Identifiers: ClinVar variation 2049478 (VCV002049478.4), dbSNP rs370820916, ClinGen allele CA271920895.

ClinVar aggregate classification (germline): Uncertain significance (1 of 4 stars; one submission).

gnomAD v4.1: 1 of 1,593,812 alleles (0.000063%); no homozygotes.

Submission:

Labcorp Genetics (formerly Invitae), Labcorp
Classification: Uncertain significance. Last evaluated: 2021-12-24. Review status: criteria provided, single submitter. Criteria: Invitae Variant Classification Sherloc (09022015). Collection method: clinical testing. Allele origin: germline.
Comment: In summary, the available evidence is currently insufficient to determine the role of this variant in disease. Therefore, it has been classified as a Variant of Uncertain Significance. Algorithms developed to predict the effect of missense changes on protein structure and function output the following: SIFT: "Tolerated"; PolyPhen-2: "Benign"; Align-GVGD: "Class C0". The leucine amino acid residue is found in multiple mammalian species, which suggests that this missense change does not adversely affect protein function. This variant has not been reported in the literature in individuals affected with VPS13C-related conditions. This variant is not present in population databases (gnomAD no frequency). This sequence change replaces isoleucine, which is neutral and non-polar, with leucine, which is neutral and non-polar, at codon 1399 of the VPS13C protein (p.Ile1399Leu).